The following is an entry in ClinVar:

ClinVar aggregate classification (germline): Conflicting classifications of pathogenicity. Review status: criteria provided, conflicting classifications (1 of 4 stars). 3 submissions from 3 submitters: Uncertain significance (2); Likely benign (1). Last evaluated 2025-12-08.

Conditions:
Hereditary cancer-predisposing syndrome. Also called: Hereditary neoplastic syndrome; Tumor predisposition; Neoplastic Syndromes, Hereditary; Hereditary Cancer Syndrome. Identifiers: Orphanet 140162, MedGen C0027672, MeSH D009386, MONDO:0015356.
Familial cancer of breast. Also called: hereditary breast carcinoma; Hereditary breast cancer; BREAST CANCER, FAMILIAL. Identifiers: Orphanet 227535, MedGen C0346153, MONDO:0016419, OMIM 114480. Disease mechanism: loss of function.

Submissions (3):

Labcorp Genetics (formerly Invitae), Labcorp
Classification: Uncertain significance for Familial cancer of breast. Last evaluated: 2025-12-08. Review status: criteria provided, single submitter. Criteria: Invitae Variant Classification Sherloc (09022015). Collection method: clinical testing. Allele origin: germline.
Comment: This sequence change replaces asparagine, which is neutral and polar, with serine, which is neutral and polar, at codon 1034 of the PALB2 protein (p.Asn1034Ser). This variant is not present in population databases (gnomAD no frequency). This variant has not been reported in the literature in individuals affected with PALB2-related conditions. ClinVar contains an entry for this variant (Variation ID: 1349670). Invitae Evidence Modeling of protein sequence and biophysical properties (such as structural, functional, and spatial information, amino acid conservation, physicochemical variation, residue mobility, and thermodynamic stability) indicates that this missense variant is not expected to disrupt PALB2 protein function with a negative predictive value of 80%. In summary, the available evidence is currently insufficient to determine the role of this variant in disease. Therefore, it has been classified as a Variant of Uncertain Significance.

Ambry Genetics
Classification: Likely benign for Hereditary cancer-predisposing syndrome. Last evaluated: 2024-04-20. Review status: criteria provided, single submitter. Criteria: Ambry Variant Classification Scheme 2023. Collection method: clinical testing. Allele origin: germline.

Color Diagnostics, LLC DBA Color Health
Classification: Uncertain significance for Hereditary cancer-predisposing syndrome. Last evaluated: 2023-05-30. Review status: criteria provided, single submitter. Criteria: ACMG Guidelines, 2015. Collection method: clinical testing. Allele origin: germline.
Comment: This missense variant replaces asparagine with serine at codon 1034 of the PALB2 protein. Computational prediction suggests that this variant may not impact protein structure and function (internally defined REVEL score threshold <= 0.5, PMID: 27666373). To our knowledge, functional studies have not been reported for this variant. This variant has not been reported in individuals affected with PALB2-related disorders in the literature. This variant has not been identified in the general population by the Genome Aggregation Database (gnomAD). The available evidence is insufficient to determine the role of this variant in disease conclusively. Therefore, this variant is classified as a Variant of Uncertain Significance.

NM_024675.4(PALB2):c.3101A>G (p.Asn1034Ser)

Gene: PALB2 (partner and localizer of BRCA2; minus strand). Cytogenetic location: 16p12.2.
Variant type: single nucleotide variant.
Coding change: c.3101A>G on transcript NM_024675.4 (MANE Select); coding-DNA position 3101, A replaced by G.
Protein change: p.Asn1034Ser; replaces asparagine 1034 with serine.
Molecular consequence: missense variant.
Genome position (GRCh38, 1-based): chr16:23,621,374, T>C on the plus strand (A>G on the coding strand, the complement: PALB2 is on the minus strand). VCF-style: chr16-23621374-T-C. GRCh37 (hg19) VCF-style: chr16-23632695-T-C.
Other names: short protein forms N1034S.
Identifiers: ClinVar variation 1349670 (VCV001349670.11), dbSNP rs2142326183, ClinGen allele CA395142818.